The following is an entry in ClinVar:

NC_000009.11:g.(97873920_97876910)_(97934430_98002930)dup

Gene: FANCC (FA complementation group C; minus strand). Cytogenetic location: 9q22.32.
Variant type: Duplication.
Identifiers: ClinVar variation 1804649 (VCV001804649.1).

ClinVar aggregate classification (germline): Likely pathogenic (1 of 4 stars; one submission).

Conditions:
Fanconi anemia complementation group C (FANCC). Also called: Fanconi anemia, group C; FANCC-Related Fanconi Anemia; FANCONI PANCYTOPENIA, TYPE 3; FACC. Identifiers: Orphanet 84, MedGen C3468041, MONDO:0009213, OMIM 227645.

Submission:

Women's Health and Genetics/Laboratory Corporation of America, LabCorp
Classification: Likely pathogenic for Fanconi anemia complementation group C. Last evaluated: 2022-11-16. Review status: criteria provided, single submitter. Criteria: LabCorp Variant Classification Summary - May 2015. Collection method: clinical testing. Allele origin: germline.
Comment: Variant summary: The variant identified by MLPA or other technology involves the duplication of exons 5-12 in the FANCC gene. A presumed nomenclature of c.(345+1_346-1)_(1154+1_1155-1)dup has been designated for the purposes of this classification. It has been assumed that this is a tandem duplication in direct orientation (Richardson_GIM_2018, Newman_AJHG_2015). Although exact breakpoints of this duplication are not known, it is expected to result in a frameshift in the FANCC gene. The variant allele was found at a frequency of 9.2e-05 in 21694 control chromosomes in the gnomAD database (structural variants data set). To our knowledge, no occurrence of c.(345+1_346-1)_(1154+1_1155-1)dup in individuals affected with Fanconi Anemia Group C and no experimental evidence demonstrating its impact on protein function have been published. One clinical diagnostic laboratory has submitted clinical-significance assessments for this variant to ClinVar after 2014 and classified the variant as likely pathogenic. Based on the evidence outlined above, the variant was classified as likely pathogenic.